The following is an entry in ClinVar:

ClinVar aggregate classification (germline): Uncertain significance (1 of 4 stars; one submission).

Conditions:
Dyskeratosis congenita, autosomal dominant 2. Identifiers: MedGen C3151443, MONDO:0013521, OMIM 613989.
Interstitial lung disease 2 (ILD2). Also called: FIBROSING ALVEOLITIS, CRYPTOGENIC; Familial idiopathic pulmonary fibrosis; FIBROCYSTIC PULMONARY DYSPLASIA. Identifiers: Orphanet 2032, Orphanet 79126, MedGen C5561926, MONDO:0800497, OMIM 178500, MONDO:0800029.

Submission:

Labcorp Genetics (formerly Invitae), Labcorp
Classification: Uncertain significance for Dyskeratosis congenita, autosomal dominant, 2; Idiopathic fibrosing alveolitis, chronic form. Last evaluated: 2019-11-16. Review status: criteria provided, single submitter. Criteria: Invitae Variant Classification Sherloc (09022015). Collection method: clinical testing. Allele origin: germline.
Comment: This variant is a gross duplication of the genomic region encompassing exons 7-16 of the TERT gene. The 5' boundary is likely confined to intron 6. The 3' end of this event is unknown as it extends beyond the assayed region for this gene and therefore may encompass additional genes. This gross duplication has not been reported in the literature in an individual with TERT-related disease. Experimental studies and prediction algorithms are not available for this variant, and the functional significance of the duplicated amino acids is currently unknown. In summary, the exact genomic location of this variant is unknown and the impact of this duplication on TERT protein function has not been established. Therefore, it has been classified as a Variant of Uncertain Significance

NC_000005.9:g.(?_1253833)_(1272405_?)dup

Gene: TERT (telomerase reverse transcriptase; minus strand). Cytogenetic location: 5p15.33.
Variant type: Duplication.
Identifiers: ClinVar variation 660150 (VCV000660150.2).